The following is an entry in ClinVar:

ClinVar aggregate classification (germline): Likely pathogenic (1 of 4 stars; one submission).

Submission:

Labcorp Genetics (formerly Invitae), Labcorp
Classification: Likely pathogenic. Last evaluated: 2023-05-25. Review status: criteria provided, single submitter. Criteria: Invitae Variant Classification Sherloc (09022015). Collection method: clinical testing. Allele origin: germline.
Comment: In summary, the currently available evidence indicates that the variant is pathogenic, but additional data are needed to prove that conclusively. Therefore, this variant has been classified as Likely Pathogenic. Algorithms developed to predict the effect of sequence changes on RNA splicing suggest that this variant may disrupt the consensus splice site. Disruption of this splice site has been observed in individual(s) with TBCK-related conditions (Invitae). This variant is not present in population databases (gnomAD no frequency). This sequence change affects an acceptor splice site in intron 21 of the TBCK gene. It is expected to disrupt RNA splicing. Variants that disrupt the donor or acceptor splice site typically lead to a loss of protein function (PMID: 16199547), and loss-of-function variants in TBCK are known to be pathogenic (PMID: 27040692, 30103036).

Literature cited by the submitters: PubMed 16199547; PubMed 27040692; PubMed 30103036.

NM_001163435.3(TBCK):c.1898-2A>G

Gene: TBCK (TBC1 domain containing kinase; minus strand). Cytogenetic location: 4q24.
Variant type: single nucleotide variant.
Coding change: c.1898-2A>G on transcript NM_001163435.3 (MANE Select); the canonical splice acceptor site of the intron before coding-DNA position 1898, A replaced by G.
Molecular consequence: splice acceptor variant.
Genome position (GRCh38, 1-based): chr4:106,193,772, T>C on the plus strand (A>G on the coding strand, the complement: TBCK is on the minus strand). VCF-style: chr4-106193772-T-C. GRCh37 (hg19) VCF-style: chr4-107114929-T-C.
Other names: c.1898-2A>G (NM_001163436.4); c.1709-2A>G (NM_033115.5); c.1781-2A>G (NM_001163437.3); c.1382-2A>G (NM_001290768.2).
Identifiers: ClinVar variation 2724899 (VCV002724899.3), dbSNP rs2477001736, ClinGen allele CA357821504.